The following is an entry in ClinVar:

ClinVar aggregate classification (germline): Uncertain significance (1 of 4 stars; one submission).

gnomAD v4.1: 8 of 1,614,208 alleles (0.0005%); highest among the groups gnomAD compares: Admixed American, 0.0017%; no homozygotes.

Submission:

Dasa
Classification: Uncertain significance. Last evaluated: 2025-01-31. Review status: criteria provided, single submitter. Criteria: DASA Assertion Criteria. Collection method: clinical testing. Allele origin: germline.
Comment: NM_002110.5(HCK):c.1424G>A (p.Arg475Gln) is a missense variant that results in the substitution of arginine with glutamine. This variant is rare in population databases. Computational prediction algorithms are consistent with a deleterious effect. The currently available literature and clinical evidence are not sufficient to establish a definitive association between this variant and the reported condition. Therefore, this variant is classified as a variant of uncertain significance.

NM_002110.5(HCK):c.1424G>A (p.Arg475Gln)

Gene: HCK (HCK proto-oncogene, Src family tyrosine kinase; plus strand). Cytogenetic location: 20q11.21.
Variant type: single nucleotide variant.
Coding change: c.1424G>A on transcript NM_002110.5 (MANE Select); coding-DNA position 1424, G replaced by A.
Protein change: p.Arg475Gln; replaces arginine 475 with glutamine.
Molecular consequence: missense variant.
Genome position (GRCh38, 1-based): chr20:32,101,362, G>A. VCF-style: chr20-32101362-G-A. GRCh37 (hg19) VCF-style: chr20-30689165-G-A.
Other names: c.1361G>A, p.Arg454Gln (NM_001172129.3, NM_001172133.3); c.1421G>A, p.Arg474Gln (NM_001172130.3); c.1358G>A, p.Arg453Gln (NM_001172131.3); c.1364G>A, p.Arg455Gln (NM_001172132.3); short protein forms R453Q, R454Q, R455Q, R474Q, R475Q.
Identifiers: ClinVar variation 4886189 (VCV004886189.2).
Genomic context (GRCh38, chr20:32,101,362, plus strand): 5'-ACGGCTCCTTTTCAGGGATGTCAAACCCTGAAGTGATCCGAGCTCTGGAGCGTGGATACC[G>A]GATGCCTCGCCCAGAGAACTGCCCAGAGGAGCTCTACAACATCATGATGCGCTGCTGGAA-3'
Protein context (NP_002101.2, residues 465-485): EVIRALERGY[Arg475Gln]MPRPENCPEE